The following is an entry in ClinVar:

ClinVar aggregate classification (germline): Benign (1 of 4 stars; one submission).

Conditions:
Lafora disease. Also called: Epilepsy progressive myoclonic 2. Identifiers: Orphanet 501, MedGen C0751783, MONDO:0009697.

Allele frequency attached by ClinVar (database versions not stated): gnomAD 0.00093 and 0.00155; TOPMed 0.00148; 1000 Genomes Project 30x 0.00484; 1000 Genomes Project 0.00519.

Submission:

Illumina Laboratory Services, Illumina
Classification: Benign for Myoclonic epilepsy of Lafora 1. Last evaluated: 2017-04-27. Review status: criteria provided, single submitter. Criteria: ICSL Variant Classification Criteria 13 December 2019. Collection method: clinical testing. Allele origin: germline.
Comment: This variant was observed as part of a predisposition screen in an ostensibly healthy population. A literature search was performed for the gene, cDNA change, and amino acid change (where applicable). No publications were found based on this search. Allele frequency data from public databases was too high to be consistent with this variant causing disease. Therefore, this variant is classified as benign.

NM_198586.3(NHLRC1):c.*886G>A

Gene: NHLRC1 (NHL repeat containing E3 ubiquitin protein ligase 1; minus strand). Cytogenetic location: 6p22.3.
Variant type: single nucleotide variant.
Coding change: c.*886G>A on transcript NM_198586.3 (MANE Select); 886 bases downstream of the stop codon, G replaced by A.
Molecular consequence: 3 prime UTR variant.
Genome position (GRCh38, 1-based): chr6:18,120,533, C>T on the plus strand (G>A on the coding strand, the complement: NHLRC1 is on the minus strand). VCF-style: chr6-18120533-C-T. GRCh37 (hg19) VCF-style: chr6-18120764-C-T.
Identifiers: ClinVar variation 904016 (VCV000904016.4), dbSNP rs146342540, ClinGen allele CA134959525.